The following is an entry in ClinVar:

NM_000161.3(GCH1):c.550C>T (p.Arg184Cys)

Gene: GCH1 (GTP cyclohydrolase 1; minus strand). Cytogenetic location: 14q22.2.
Variant type: single nucleotide variant.
Coding change: c.550C>T on transcript NM_000161.3 (MANE Select); coding-DNA position 550, C replaced by T.
Protein change: p.Arg184Cys; replaces arginine 184 with cysteine.
Molecular consequence: missense variant.
Genome position (GRCh38, 1-based): chr14:54,845,844, G>A on the plus strand (C>T on the coding strand, the complement: GCH1 is on the minus strand). VCF-style: chr14-54845844-G-A. GRCh37 (hg19) VCF-style: chr14-55312562-G-A.
Other names: c.550C>T, p.Arg184Cys (NM_001024024.2, NM_001024070.2, NM_001024071.2); c.550C>T (NM_000161.2); short protein forms R184C.
Identifiers: ClinVar variation 1460390 (VCV001460390.10), dbSNP rs2140041841, ClinGen allele CA389787405.

ClinVar aggregate classification (germline): Pathogenic/Likely pathogenic. Review status: criteria provided, multiple submitters, no conflicts (2 of 4 stars). 3 submissions from 3 submitters: Pathogenic (2); Likely pathogenic (1). Last evaluated 2025-03-10.

Conditions:
Dystonia 5 (DRD). Also called: DYT-GCH1; DYSTONIA, PROGRESSIVE, WITH DIURNAL VARIATION; DYSTONIA-PARKINSONISM WITH DIURNAL FLUCTUATION; Dystonia, DOPA-responsive, with or without hyperphenylalaninemia; GTP Cyclohydrolase 1-Deficient Dopa-Responsive Dystonia. Identifiers: Orphanet 98808, MedGen C1851920, MONDO:0007495, OMIM 128230.
GTP cyclohydrolase I deficiency. Identifiers: MedGen C0268467, MONDO:0100184.

Submissions (3):

Women's Health and Genetics/Laboratory Corporation of America, LabCorp
Classification: Pathogenic for Dystonia 5. Last evaluated: 2025-03-10. Review status: criteria provided, single submitter. Criteria: LabCorp Variant Classification Summary - May 2015. Collection method: clinical testing. Allele origin: germline.
Comment: Variant summary: GCH1 c.550C>T (p.Arg184Cys) results in a non-conservative amino acid change in the encoded protein sequence. Five of five in-silico tools predict a damaging effect of the variant on protein function. The variant was absent in 251250 control chromosomes. c.550C>T has been reported in the literature in the heterozygoust state multiple individuals affected with DOPA responsive dystonia and Parkinsonism and segregated with disease in at least one family, consistent with autosomal dominant inheritance (Kostic_2020, Giri_2019, Rudakou_2020, Dobricic_2017, Chenbanich_2017). These data indicate that the variant is very likely to be associated with disease. The following publications have been ascertained in the context of this evaluation (PMID: 33087420, 30911941, 28958832, 30314816, 28415164). ClinVar contains an entry for this variant (Variation ID: 1460390). To our knowledge, this variant has not been reported in individuals with autosomal recessive GCH1-related disease. Based on the evidence outlined above, this variant is pathogenic for autosomal dominant GCH1-related disease.

GeneDx
Classification: Likely pathogenic. Last evaluated: 2024-05-16. Review status: criteria provided, single submitter. Criteria: GeneDx Variant Classification Process June 2021. Collection method: clinical testing. Allele origin: germline.
Comment: Observed in unrelated individuals with dopa-responsive dystonia and in an individual with Parkinson disease, but it is unknown whether these individuals were screened for variants in other genes associated with dystonia and parkinsonism (PMID: 28958832, 33087420, 15753436, 30314816); Not observed at significant frequency in large population cohorts (gnomAD); In silico analysis supports that this missense variant has a deleterious effect on protein structure/function; This variant is associated with the following publications: (PMID: 15753436, 28397219, 30314816, 33087420, 28958832)

Labcorp Genetics (formerly Invitae), Labcorp
Classification: Pathogenic for GTP cyclohydrolase I deficiency; Dystonia 5. Last evaluated: 2021-06-09. Review status: criteria provided, single submitter. Criteria: Invitae Variant Classification Sherloc (09022015). Collection method: clinical testing. Allele origin: germline.
Comment: For these reasons, this variant has been classified as Pathogenic. Advanced modeling of protein sequence and biophysical properties (such as structural, functional, and spatial information, amino acid conservation, physicochemical variation, residue mobility, and thermodynamic stability) performed at Invitae indicates that this missense variant is expected to disrupt GCH1 protein function. This variant has been observed in individual(s) with dopa-responsive dystonia (PMID: 15753436, 28397219, 28958832). It has also been observed to segregate with disease in related individuals. This variant is not present in population databases (ExAC no frequency). This sequence change replaces arginine with cysteine at codon 184 of the GCH1 protein (p.Arg184Cys). The arginine residue is highly conserved and there is a large physicochemical difference between arginine and cysteine.

Literature cited by the submitters: PubMed 30314816 (cited by Women's Health and Genetics/Laboratory Corporation of America, LabCorp); PubMed 28415164 (cited by Women's Health and Genetics/Laboratory Corporation of America, LabCorp); PubMed 28958832 (cited by Women's Health and Genetics/Laboratory Corporation of America, LabCorp and Labcorp Genetics (formerly Invitae), Labcorp); PubMed 33087420 (cited by Women's Health and Genetics/Laboratory Corporation of America, LabCorp); PubMed 15753436 (cited by Labcorp Genetics (formerly Invitae), Labcorp); PubMed 28397219 (cited by Labcorp Genetics (formerly Invitae), Labcorp).